The following is an entry in ClinVar:

ClinVar aggregate classification (germline): Uncertain significance. Review status: criteria provided, multiple submitters, no conflicts (2 of 4 stars). 2 submissions from 2 submitters: Uncertain significance (2). Last evaluated 2024-11-25.

Conditions:
Pancreatic adenocarcinoma. Identifiers: MedGen C0281361, MONDO:0006047, HP:0006725.

gnomAD v4.1: 12 of 1,520,668 alleles (0.00079%); highest among the groups gnomAD compares: Non-Finnish European, 0.0011%; no homozygotes.

Submissions (2):

Ambry Genetics
Classification: Uncertain significance. Last evaluated: 2024-11-25. Review status: criteria provided, single submitter. Criteria: Ambry Variant Classification Scheme 2023. Collection method: clinical testing. Allele origin: germline.
Comment: The p.P112L variant (also known as c.335C>T), located in coding exon 1 of the PALLD gene, results from a C to T substitution at nucleotide position 335. The proline at codon 112 is replaced by leucine, an amino acid with similar properties. This amino acid position is conserved. In addition, this alteration is predicted to be tolerated by in silico analysis. Based on the available evidence, the clinical significance of this variant remains unclear.

Labcorp Genetics (formerly Invitae), Labcorp
Classification: Uncertain significance for Pancreatic adenocarcinoma. Last evaluated: 2022-04-30. Review status: criteria provided, single submitter. Criteria: Invitae Variant Classification Sherloc (09022015). Collection method: clinical testing. Allele origin: germline.
Comment: In summary, the available evidence is currently insufficient to determine the role of this variant in disease. Therefore, it has been classified as a Variant of Uncertain Significance. Algorithms developed to predict the effect of missense changes on protein structure and function are either unavailable or do not agree on the potential impact of this missense change (SIFT: "Deleterious"; PolyPhen-2: "Benign"; Align-GVGD: "Class C65"). ClinVar contains an entry for this variant (Variation ID: 1039317). This variant has not been reported in the literature in individuals affected with PALLD-related conditions. This variant is not present in population databases (gnomAD no frequency). This sequence change replaces proline, which is neutral and non-polar, with leucine, which is neutral and non-polar, at codon 112 of the PALLD protein (p.Pro112Leu).

NM_001166108.2(PALLD):c.1965-12696C>T

Gene: PALLD (palladin, cytoskeletal associated protein; plus strand). Cytogenetic location: 4q32.3.
Variant type: single nucleotide variant.
Coding change: c.1965-12696C>T on transcript NM_001166108.2 (MANE Select); 12696 bases into the intron before coding-DNA position 1965, C replaced by T.
Molecular consequence: intron variant. On other transcripts: missense variant (1).
Genome position (GRCh38, 1-based): chr4:168,878,226, C>T. VCF-style: chr4-168878226-C-T. GRCh37 (hg19) VCF-style: chr4-169799377-C-T.
Other names: c.335C>T (NM_001166110.1); c.335C>T, p.Pro112Leu (NM_001166110.2); c.1965-12696C>T (NM_016081.4); c.819-12696C>T (NM_001166109.2); c.-157-12696C>T (NM_001367570.1, NM_001367568.1, NM_001367567.1 and 1 more transcripts); short protein forms P112L.
Identifiers: ClinVar variation 1039317 (VCV001039317.9), dbSNP rs1752080178, ClinGen allele CA358796332.